The following is an entry in ClinVar:

NM_001267550.2(TTN):c.105486del (p.Trp35162fs)

Genes: TTN (titin; minus strand), TTN-AS1 (TTN antisense RNA 1; plus strand). Cytogenetic location: 2q31.2.
Variant type: Deletion.
Coding change: c.105486del on transcript NM_001267550.2 (MANE Select); coding-DNA position 105486, one base deleted (G; older notation c.105486delG).
Protein change: p.Trp35162fs; shifts the reading frame from tryptophan 35162.
Molecular consequence: frameshift variant.
Genome position (GRCh38, 1-based): chr2:178,531,129, C deleted on the plus strand (G on the coding strand, the reverse complement: TTN is on the minus strand); the first of 2 consecutive C bases (chr2:178,531,129-178,531,130); deleting either gives the same sequence. VCF-style (leftmost placement, unchanged base first): chr2-178531128-GC-G. GRCh37 (hg19) VCF-style: chr2-179395855-GC-G.
Other names: c.100563del, p.Trp33521fs (NM_001256850.1); c.78291del, p.Trp26097fs (NM_003319.4); c.97782del, p.Trp32594fs (NM_133378.4); c.78666del, p.Trp26222fs (NM_133432.3); c.78867del, p.Trp26289fs (NM_133437.4); c.78291delG (NM_003319.4); short protein forms W33521fs, W26097fs, W32594fs, W26222fs, W26289fs, W35162fs.
Identifiers: ClinVar variation 520932 (VCV000520932.3), dbSNP rs1553485330, ClinGen allele CA658795976.

ClinVar aggregate classification (germline): Pathogenic (1 of 4 stars; one submission).

Conditions:
Inborn genetic diseases. Identifiers: MedGen C0950123, MeSH D030342.

Submission:

Ambry Genetics
Classification: Pathogenic for Hereditary disease. Last evaluated: 2016-02-05. Review status: criteria provided, single submitter. Criteria: ambry_reporting_categories_2017. Collection method: clinical testing. Allele origin: germline. Affected: yes. Observed: 1 heterozygote. Segregation with disease observed.
Comment: Lines of evidence used in support of classification: POSITIVE: Relevant Alteration(s) Detected

Literature cited by the submitters: PubMed 23518707; PubMed 23418287; PubMed 24105469; PubMed 11717165; PubMed 22335739; PubMed 10462489; PubMed 21810661; PubMed 12669942; PubMed 21617319; PubMed 18948003; PubMed 1745277; PubMed 24395473; PubMed 12145747; PubMed 17444505.